The following is an entry in ClinVar:

NM_003031.4(SIAH1):c.23C>T (p.Ala8Val)

Genes: LONP2 (lon peptidase 2, peroxisomal; plus strand), SIAH1 (siah E3 ubiquitin protein ligase 1; minus strand). Cytogenetic location: 16q12.1.
Variant type: single nucleotide variant.
Coding change: c.23C>T on transcript NM_003031.4 (MANE Select); coding-DNA position 23, C replaced by T.
Protein change: p.Ala8Val; replaces alanine 8 with valine.
Molecular consequence: missense variant. On other transcripts: 3 prime UTR variant (1).
Genome position (GRCh38, 1-based): chr16:48,362,406, G>A on the plus strand (C>T on the coding strand, the complement: SIAH1 is on the minus strand). VCF-style: chr16-48362406-G-A. GRCh37 (hg19) VCF-style: chr16-48396317-G-A.
Other names: c.116C>T, p.Ala39Val (NM_001006610.2); c.*810G>A (NM_001348078.2); short protein forms A39V, A8V.
Identifiers: ClinVar variation 1318575 (VCV001318575.4), dbSNP rs2151044267, ClinGen allele CA396106769.

ClinVar aggregate classification (germline): Uncertain significance (1 of 4 stars; one submission).

Submission:

GeneDx
Classification: Uncertain significance. Last evaluated: 2019-07-20. Review status: criteria provided, single submitter. Criteria: GeneDx Variant Classification Process June 2021. Collection method: clinical testing. Allele origin: germline. Affected: yes.
Comment: Not observed in large population cohorts (Lek et al., 2016); In silico analysis, which includes protein predictors and evolutionary conservation, supports that this variant does not alter protein structure/function; Has not been previously published as pathogenic or benign to our knowledge; Variants in candidate genes are classified as variants of uncertain significance in accordance with ACMG guidelines (Richards et al., 2015)